The following is an entry in ClinVar:

NM_032229.3(SLITRK6):c.382A>T (p.Lys128Ter)

Gene: SLITRK6 (SLIT and NTRK like family member 6; minus strand). Cytogenetic location: 13q31.1.
Variant type: single nucleotide variant.
Coding change: c.382A>T on transcript NM_032229.3 (MANE Select); coding-DNA position 382, A replaced by T.
Protein change: p.Lys128Ter; replaces lysine 128 with a stop codon.
Molecular consequence: nonsense.
Genome position (GRCh38, 1-based): chr13:85,796,127, T>A on the plus strand (A>T on the coding strand, the complement: SLITRK6 is on the minus strand). VCF-style: chr13-85796127-T-A. GRCh37 (hg19) VCF-style: chr13-86370262-T-A.
Other names: short protein forms K128*.
Identifiers: ClinVar variation 2633190 (VCV002633190.1), dbSNP rs2501106009, ClinGen allele CA388380966.

ClinVar aggregate classification (germline): Likely pathogenic (1 of 4 stars; one submission).

Conditions:
SLITRK6-related disorder. Also called: SLITRK6-related condition.

Submission:

PreventionGenetics, part of Exact Sciences
Classification: Likely pathogenic for SLITRK6-related condition. Last evaluated: 2023-04-24. Review status: criteria provided, single submitter. Criteria: ACMG Guidelines, 2015. Collection method: clinical testing. Allele origin: germline.
Comment: The SLITRK6 c.382A>T variant is predicted to result in premature protein termination (p.Lys128*). To our knowledge, this variant has not been reported in the literature or in a large population database, indicating this variant is rare. Nonsense variants in SLITRK6 are expected to be pathogenic. This variant is interpreted as likely pathogenic.